The following is an entry in ClinVar:

NM_006502.3(POLH):c.1163C>A (p.Thr388Asn)

Gene: POLH (DNA polymerase eta; plus strand). Cytogenetic location: 6p21.1.
Variant type: single nucleotide variant.
Coding change: c.1163C>A on transcript NM_006502.3 (MANE Select); coding-DNA position 1163, C replaced by A.
Protein change: p.Thr388Asn; replaces threonine 388 with asparagine.
Molecular consequence: missense variant.
Genome position (GRCh38, 1-based): chr6:43,610,642, C>A. VCF-style: chr6-43610642-C-A. GRCh37 (hg19) VCF-style: chr6-43578379-C-A.
Other names: c.791C>A, p.Thr264Asn (NM_001291969.2); c.1163C>A, p.Thr388Asn (NM_001291970.2); short protein forms T264N, T388N.
Identifiers: ClinVar variation 910557 (VCV000910557.10), dbSNP rs370443606, ClinGen allele CA3827195.

ClinVar aggregate classification (germline): Uncertain significance. Review status: criteria provided, multiple submitters, no conflicts (2 of 4 stars). 3 submissions from 3 submitters: Uncertain significance (3). Last evaluated 2023-05-23.

Conditions:
Xeroderma pigmentosum variant type. Also called: PHOTOSENSITIVITY WITH DEFECTIVE DNA SYNTHESIS; XERODERMA PIGMENTOSUM WITH NORMAL DNA REPAIR RATES; POLH-Related Xeroderma Pigmentosum. Identifiers: Orphanet 90342, MedGen C1848410, MONDO:0010214, OMIM 278750.
Inborn genetic diseases. Identifiers: MedGen C0950123, MeSH D030342.

Allele frequency attached by ClinVar (database versions not stated): TOPMed 0.00002; ESP Exome Variant Server 0.00008.

Submissions (3):

Ambry Genetics
Classification: Uncertain significance for Inborn genetic diseases. Last evaluated: 2023-05-23. Review status: criteria provided, single submitter. Criteria: Ambry Variant Classification Scheme 2023. Collection method: clinical testing. Allele origin: germline.

Labcorp Genetics (formerly Invitae), Labcorp
Classification: Uncertain significance. Last evaluated: 2021-12-21. Review status: criteria provided, single submitter. Criteria: Invitae Variant Classification Sherloc (09022015). Collection method: clinical testing. Allele origin: germline.
Comment: This sequence change replaces threonine, which is neutral and polar, with asparagine, which is neutral and polar, at codon 388 of the POLH protein (p.Thr388Asn). This variant is present in population databases (rs370443606, gnomAD 0.1%). This variant has not been reported in the literature in individuals affected with POLH-related conditions. ClinVar contains an entry for this variant (Variation ID: 910557). Algorithms developed to predict the effect of missense changes on protein structure and function (SIFT, PolyPhen-2, Align-GVGD) all suggest that this variant is likely to be tolerated. In summary, the available evidence is currently insufficient to determine the role of this variant in disease. Therefore, it has been classified as a Variant of Uncertain Significance.

Illumina Laboratory Services, Illumina
Classification: Uncertain significance for Xeroderma pigmentosum variant type. Last evaluated: 2018-01-12. Review status: criteria provided, single submitter. Criteria: ICSL Variant Classification Criteria 13 December 2019. Collection method: clinical testing. Allele origin: germline.